The following is an entry in ClinVar:

NM_003060.4(SLC22A5):c.1252C>T (p.Gln418Ter)

Gene: SLC22A5 (solute carrier family 22 member 5; plus strand). Cytogenetic location: 5q31.1.
Variant type: single nucleotide variant.
Coding change: c.1252C>T on transcript NM_003060.4 (MANE Select); coding-DNA position 1252, C replaced by T.
Protein change: p.Gln418Ter; replaces glutamine 418 with a stop codon.
Molecular consequence: nonsense.
Genome position (GRCh38, 1-based): chr5:132,390,889, C>T. VCF-style: chr5-132390889-C-T. GRCh37 (hg19) VCF-style: chr5-131726581-C-T.
Other names: c.1324C>T, p.Gln442Ter (NM_001308122.2); short protein forms Q418*, Q442*.
Identifiers: ClinVar variation 373229 (VCV000373229.18), dbSNP rs1057518297, ClinGen allele CA16042574.

ClinVar aggregate classification (germline): Pathogenic. Review status: criteria provided, multiple submitters, no conflicts (2 of 4 stars). 6 submissions from 6 submitters: Pathogenic (4). 2 of the submissions do not count toward it. Last evaluated 2021-07-15.

Conditions:
Renal carnitine transport defect (CDSP). Also called: Systemic primary carnitine deficiency disease; Systemic primary carnitine deficiency; CARNITINE DEFICIENCY, SYSTEMIC, DUE TO DEFECT IN RENAL REABSORPTION OF CARNITINE; CARNITINE TRANSPORTER, PLASMA-MEMBRANE, DEFICIENCY OF; CARNITINE UPTAKE DEFECT; Carnitine transporter deficiency. Identifiers: Orphanet 158, MedGen C0342788, MONDO:0008919, OMIM 212140.

Submissions (6):

Genome-Nilou Lab
Classification: Pathogenic for Renal carnitine transport defect. Last evaluated: 2021-07-15. Review status: criteria provided, single submitter. Criteria: ACMG Guidelines, 2015. Collection method: clinical testing. Allele origin: germline. Affected: no.

Revvity Omics, Revvity
Classification: Pathogenic for Renal carnitine transport defect. Last evaluated: 2021-06-07. Review status: criteria provided, single submitter. Criteria: ACMG Guidelines, 2015. Collection method: clinical testing. Allele origin: germline.

Labcorp Genetics (formerly Invitae), Labcorp
Classification: Pathogenic for Renal carnitine transport defect. Last evaluated: 2021-03-26. Review status: criteria provided, single submitter. Criteria: Invitae Variant Classification Sherloc (09022015). Collection method: clinical testing. Allele origin: germline.
Comment: While this particular variant has not been reported in the literature, loss-of-function variants in SLC22A5 are known to be pathogenic (PMID: 25132046). This sequence change creates a premature translational stop signal at codon 418 (p.Gln418*) of the SLC22A5 gene. It is expected to result in an absent or disrupted protein product. For these reasons, this variant has been classified as Pathogenic.

GeneDx
Classification: Pathogenic. Last evaluated: 2016-11-15. Review status: criteria provided, single submitter. Criteria: GeneDx Variant Classification (06012015). Collection method: clinical testing. Allele origin: germline. Affected: yes.
Comment: The Q418X nonsense variant in the SLC22A5 gene is predicted to cause loss of normal proteinfunction either through protein truncation or nonsense-mediated mRNA decay. It is not observed inlarge population cohorts (Lek et al., 2016; 1000 Genomes Consortium et al., 2015; Exome VariantServer). Although this variant has not been reported previously to our knowledge, it is interpreted tobe a pathogenic variant.

Counsyl
Classification: Likely pathogenic for Renal carnitine transport defect. Last evaluated: 2015-03-31. Review status: no assertion criteria provided. Collection method: clinical testing. Allele origin: unknown. Not counted in ClinVar's aggregate classification.

Neonatal Disease Screening Center, Medical Genetics Center, Huaihua City Maternal and Child Health Care Hospital
Classification: Pathogenic for Renal carnitine transport defect. Review status: no assertion criteria provided. Criteria: ACMG Guidelines, 2015. Collection method: clinical testing. Allele origin: germline. Affected: yes. Observed: 1 variant allele. Not counted in ClinVar's aggregate classification.
Comment: PVS1+PM2_P+PM3+PP4

Literature cited by the submitters: PubMed 25132046 (cited by Labcorp Genetics (formerly Invitae), Labcorp).